The following is an entry in ClinVar:

NM_018125.4(ARHGEF10L):c.1455G>A (p.Ser485=)

Gene: ARHGEF10L (Rho guanine nucleotide exchange factor 10 like; plus strand). Cytogenetic location: 1p36.13.
Variant type: single nucleotide variant.
Coding change: c.1455G>A on transcript NM_018125.4 (MANE Select); coding-DNA position 1455, G replaced by A.
Protein change: p.Ser485=; no amino-acid change (serine 485 retained).
Molecular consequence: synonymous variant. On other transcripts: non-coding transcript variant (2).
Genome position (GRCh38, 1-based): chr1:17,627,374, G>A. VCF-style: chr1-17627374-G-A. GRCh37 (hg19) VCF-style: chr1-17953869-G-A.
Other names: c.1338G>A, p.Ser446= (NM_001011722.2, NM_001319837.2); c.579G>A, p.Ser193= (NM_001319838.1); c.789G>A, p.Ser263= (NM_001328124.1).
Identifiers: ClinVar variation 2638398 (VCV002638398.24), dbSNP rs200701697, ClinGen allele CA643192.
Genomic context (GRCh38, chr1:17,627,374, plus strand): 5'-TGCTCTGACCTGGCAGGACATGCTGAAGAACACCCCCAGGGGCCATCCGGACAGGCTGTC[G>A]CTGCAGCTGGCCCTCACAGAGCTGGAGACGCTGGCTGAGAAGCTGAACGAGCAGAAGCGG-3'
Protein context (NP_060595.3, residues 475-495): NTPRGHPDRL[Ser485=]LQLALTELET

ClinVar aggregate classification (germline): Likely benign (1 of 4 stars; one submission).

gnomAD v4.1: 11 of 1,613,968 alleles (0.00068%); highest among the groups gnomAD compares: East Asian, 0.0022%; no homozygotes.

Submission:

CeGaT Center for Human Genetics Tuebingen
Classification: Likely benign. Last evaluated: 2022-10-01. Review status: criteria provided, single submitter. Criteria: CeGaT Center For Human Genetics Tuebingen Variant Classification Criteria Version 2. Collection method: clinical testing. Allele origin: germline. Affected: yes. Observed: 1 variant allele.
Comment: ARHGEF10L: BP4, BP7